The following is an entry in ClinVar:

NM_006947.4(SRP72):c.1615G>A (p.Gly539Arg)

Gene: SRP72 (signal recognition particle 72; plus strand). Cytogenetic location: 4q12.
Variant type: single nucleotide variant.
Coding change: c.1615G>A on transcript NM_006947.4 (MANE Select); coding-DNA position 1615, G replaced by A.
Protein change: p.Gly539Arg; replaces glycine 539 with arginine.
Molecular consequence: missense variant. On other transcripts: non-coding transcript variant (1).
Genome position (GRCh38, 1-based): chr4:56,491,543, G>A. VCF-style: chr4-56491543-G-A. GRCh37 (hg19) VCF-style: chr4-57357709-G-A.
Other names: c.1432G>A, p.Gly478Arg (NM_001267722.2); short protein forms G478R, G539R.
Identifiers: ClinVar variation 4174948 (VCV004174948.1).

ClinVar aggregate classification (germline): Uncertain significance (1 of 4 stars; one submission).

Submission:

Ambry Genetics
Classification: Uncertain significance. Last evaluated: 2025-07-28. Review status: criteria provided, single submitter. Criteria: Ambry Variant Classification Scheme 2023. Collection method: clinical testing. Allele origin: germline.
Comment: The p.G539R variant (also known as c.1615G>A), located in coding exon 16 of the SRP72 gene, results from a G to A substitution at nucleotide position 1615. The glycine at codon 539 is replaced by arginine, an amino acid with dissimilar properties. This amino acid position is conserved. In addition, this alteration is predicted to be deleterious by in silico analysis. Based on the available evidence, the clinical significance of this variant remains unclear.